The following is an entry in ClinVar:

ClinVar aggregate classification (germline): Likely benign. Review status: criteria provided, single submitter (1 of 4 stars). 2 submissions from 1 submitter: Likely benign (2). Last evaluated 2018-01-13.

Conditions:
Glaucoma 3A. Also called: Glaucoma 3, primary congenital, A. Identifiers: Orphanet 98976, Orphanet 98977, MedGen C1856439, MONDO:0009277, OMIM 231300.
Irido-corneo-trabecular dysgenesis (ASGD5). Also called: ANTERIOR SEGMENT DYSGENESIS 5. Identifiers: Orphanet 708, MedGen C0344559, MONDO:0011414, OMIM 604229, HP:0000659.

Allele frequency attached by ClinVar (database versions not stated): gnomAD exomes 0.00213; gnomAD 0.00934 and 0.00985; TOPMed 0.01141; 1000 Genomes Project 0.01358; 1000 Genomes Project 30x 0.01390.
gnomAD v4.1: 1,595 of 225,554 alleles (0.71%); highest among the groups gnomAD compares: African/African-American, 2.9%; 21 homozygotes.

Submissions (2):

Illumina Laboratory Services, Illumina
Classification: Likely benign for Irido-corneo-trabecular dysgenesis. Last evaluated: 2018-01-13. Review status: criteria provided, single submitter. Criteria: ICSL Variant Classification Criteria 13 December 2019. Collection method: clinical testing. Allele origin: germline.
Comment: This variant was observed in the ICSL laboratory as part of a predisposition screen in an ostensibly healthy population. It had not been previously curated by ICSL or reported in the Human Gene Mutation Database (HGMD: prior to June 1st, 2018), and was therefore a candidate for classification through an automated scoring system. Utilizing variant allele frequency, disease prevalence and penetrance estimates, and inheritance mode, an automated score was calculated to assess if this variant is too frequent to cause the disease. Based on the score and internal cut-off values, a variant classified as likely benign is not then subjected to further curation. The score for this variant resulted in a classification of likely benign for this disease.

Illumina Laboratory Services, Illumina
Classification: Likely benign for Glaucoma 3A. Last evaluated: 2018-01-13. Review status: criteria provided, single submitter. Criteria: ICSL Variant Classification Criteria 13 December 2019. Collection method: clinical testing. Allele origin: germline.
Comment: the same text as in the submission from Illumina Laboratory Services, Illumina above.

NM_000104.4(CYP1B1):c.*2261A>C

Gene: CYP1B1 (cytochrome P450 family 1 subfamily B member 1; minus strand). Cytogenetic location: 2p22.2.
Variant type: single nucleotide variant.
Coding change: c.*2261A>C on transcript NM_000104.4 (MANE Select); 2261 bases downstream of the stop codon, A replaced by C.
Molecular consequence: 3 prime UTR variant.
Genome position (GRCh38, 1-based): chr2:38,068,461, T>G on the plus strand (A>C on the coding strand, the complement: CYP1B1 is on the minus strand). VCF-style: chr2-38068461-T-G. GRCh37 (hg19) VCF-style: chr2-38295604-T-G.
Identifiers: ClinVar variation 898036 (VCV000898036.4), dbSNP rs77534033, ClinGen allele CA45537369.